The following is an entry in ClinVar:

NM_199420.4(POLQ):c.5119A>G (p.Met1707Val)

Gene: POLQ (DNA polymerase theta; minus strand). Cytogenetic location: 3q13.33.
Variant type: single nucleotide variant.
Coding change: c.5119A>G on transcript NM_199420.4 (MANE Select); coding-DNA position 5119, A replaced by G.
Protein change: p.Met1707Val; replaces methionine 1707 with valine.
Molecular consequence: missense variant.
Genome position (GRCh38, 1-based): chr3:121,487,812, T>C on the plus strand (A>G on the coding strand, the complement: POLQ is on the minus strand). VCF-style: chr3-121487812-T-C. GRCh37 (hg19) VCF-style: chr3-121206659-T-C.
Other names: short protein forms M1707V.
Identifiers: ClinVar variation 1745448 (VCV001745448.3), dbSNP rs749327947, ClinGen allele CA354091874.

ClinVar aggregate classification (germline): Uncertain significance. Review status: criteria provided, multiple submitters, no conflicts (2 of 4 stars). 2 submissions from 2 submitters: Uncertain significance (2). Last evaluated 2024-02-24.

Conditions:
POLQ-related disorder. Also called: POLQ-related condition.

Submissions (2):

Ambry Genetics
Classification: Uncertain significance. Last evaluated: 2024-02-24. Review status: criteria provided, single submitter. Criteria: Ambry Variant Classification Scheme 2023. Collection method: clinical testing. Allele origin: germline.
Comment: The p.M1707V variant (also known as c.5119A>G), located in coding exon 16 of the POLQ gene, results from an A to G substitution at nucleotide position 5119. The methionine at codon 1707 is replaced by valine, an amino acid with highly similar properties. This amino acid position is conserved. In addition, this alteration is predicted to be tolerated by in silico analysis. Since supporting evidence is limited at this time, the clinical significance of this alteration remains unclear.

Department of Pathology and Laboratory Medicine, Sinai Health System
Classification: Uncertain significance for POLQ-related disorder. Last evaluated: 2021-07-30. Review status: criteria provided, single submitter. Criteria: ACMG Guidelines, 2015. Collection method: research. Allele origin: germline.